The following is an entry in ClinVar:

ClinVar aggregate classification (germline): Uncertain significance (1 of 4 stars; one submission).

Conditions:
Inborn genetic diseases. Identifiers: MedGen C0950123, MeSH D030342.

Submission:

Ambry Genetics
Classification: Uncertain significance for Inborn genetic diseases. Last evaluated: 2021-11-05. Review status: criteria provided, single submitter. Criteria: Ambry Variant Classification Scheme 2023. Collection method: clinical testing. Allele origin: germline.
Comment: The p.M167T variant (also known as c.500T>C), located in coding exon 5 of the LRRK2 gene, results from a T to C substitution at nucleotide position 500. The methionine at codon 167 is replaced by threonine, an amino acid with similar properties. This amino acid position is conserved. In addition, the in silico prediction for this alteration is inconclusive. Since supporting evidence is limited at this time, the clinical significance of this alteration remains unclear.

NM_198578.4(LRRK2):c.500T>C (p.Met167Thr)

Gene: LRRK2 (leucine rich repeat kinase 2; plus strand). Cytogenetic location: 12q12.
Variant type: single nucleotide variant.
Coding change: c.500T>C on transcript NM_198578.4 (MANE Select); coding-DNA position 500, T replaced by C.
Protein change: p.Met167Thr; replaces methionine 167 with threonine.
Molecular consequence: missense variant.
Genome position (GRCh38, 1-based): chr12:40,238,032, T>C. VCF-style: chr12-40238032-T-C. GRCh37 (hg19) VCF-style: chr12-40631834-T-C.
Other names: short protein forms M167T.
Identifiers: ClinVar variation 1744758 (VCV001744758.2), dbSNP rs201411683, ClinGen allele CA384404020.
Genomic context (GRCh38, chr12:40,238,032, plus strand): 5'-AAATCACCTTGCTGATATTGGATGAAGAAAGTGATATTTTCATGTTAATTTTTGATGCCA[T>C]GCACTCATTTCCAGCCAATGATGAAGTCCAGAAACTTGGATGCAAAGCTTTACATGTGCT-3'
Protein context (NP_940980.4, residues 157-177): SDIFMLIFDA[Met167Thr]HSFPANDEVQ